The following is an entry in ClinVar:

NM_005902.4(SMAD3):c.202C>G (p.Pro68Ala)

Gene: SMAD3 (SMAD family member 3; plus strand). Cytogenetic location: 15q22.33.
Variant type: single nucleotide variant.
Coding change: c.202C>G on transcript NM_005902.4 (MANE Select); coding-DNA position 202, C replaced by G.
Protein change: p.Pro68Ala; replaces proline 68 with alanine.
Molecular consequence: missense variant.
Genome position (GRCh38, 1-based): chr15:67,066,356, C>G. VCF-style: chr15-67066356-C-G. GRCh37 (hg19) VCF-style: chr15-67358694-C-G.
Other names: c.202C>G, p.Pro68Ala (NM_001407011.1, NM_001407012.1, NM_001407013.1); c.202C>G (NM_005902.3); short protein forms P68A.
Identifiers: ClinVar variation 3386006 (VCV003386006.3).

ClinVar aggregate classification (germline): Uncertain significance. Review status: criteria provided, multiple submitters, no conflicts (2 of 4 stars). 4 submissions from 4 submitters: Uncertain significance (4). Last evaluated 2026-01-26.

Conditions:
Familial thoracic aortic aneurysm and aortic dissection (TAAD). Also called: Thoracic aortic aneurysms and dissections. Identifiers: Orphanet 91387, MedGen C4707243, MONDO:0019625.
Aneurysm-osteoarthritis syndrome. Also called: LOEYS-DIETZ SYNDROME WITH OSTEOARTHRITIS; SMAD3-Related Loeys-Dietz Syndrome; ANEURYSMS-OSTEOARTHRITIS SYNDROME; Loeys-Dietz syndrome, type 1C. Identifiers: Orphanet 284984, MedGen C3151087, MONDO:0013426, OMIM 613795.

gnomAD v4.1: 2 of 1,612,314 alleles (0.00012%); highest among the groups gnomAD compares: Non-Finnish European, 0.00017%; no homozygotes.

Submissions (4):

Labcorp Genetics (formerly Invitae), Labcorp
Classification: Uncertain significance for Familial thoracic aortic aneurysm and aortic dissection. Last evaluated: 2026-01-26. Review status: criteria provided, single submitter. Criteria: Invitae Variant Classification Sherloc (09022015). Collection method: clinical testing. Allele origin: germline.
Comment: This sequence change replaces proline, which is neutral and non-polar, with alanine, which is neutral and non-polar, at codon 68 of the SMAD3 protein (p.Pro68Ala). This variant is not present in population databases (gnomAD no frequency). This variant has not been reported in the literature in individuals affected with SMAD3-related conditions. ClinVar contains an entry for this variant (Variation ID: 3386006). Invitae Evidence Modeling of protein sequence and biophysical properties (such as structural, functional, and spatial information, amino acid conservation, physicochemical variation, residue mobility, and thermodynamic stability) indicates that this missense variant is not expected to disrupt SMAD3 protein function with a negative predictive value of 80%. In summary, the available evidence is currently insufficient to determine the role of this variant in disease. Therefore, it has been classified as a Variant of Uncertain Significance.

GeneDx
Classification: Uncertain significance. Last evaluated: 2025-04-08. Review status: criteria provided, single submitter. Criteria: GeneDx Variant Classification Process June 2021. Collection method: clinical testing. Allele origin: germline. Affected: yes.
Comment: Not observed at significant frequency in large population cohorts (gnomAD); In silico analysis supports that this missense variant has a deleterious effect on protein structure/function; Has not been previously published as pathogenic or benign to our knowledge

All of Us Research Program, National Institutes of Health
Classification: Uncertain significance for Aneurysm-osteoarthritis syndrome. Last evaluated: 2024-05-09. Review status: criteria provided, single submitter. Criteria: ACMG Guidelines, 2015. Collection method: clinical testing. Allele origin: germline. Inheritance: Autosomal dominant inheritance. Observed: 1 variant allele, 1 heterozygote.
Comment: This study involves interpretation of variants in research participants for the purpose of population health screening. Participant phenotype was not available at the time of variant classification. Additional details can be found in publication PMID: 35346344, PMCID: PMC8962531

Color Diagnostics, LLC DBA Color Health
Classification: Uncertain significance for Familial thoracic aortic aneurysm and aortic dissection. Last evaluated: 2023-06-02. Review status: criteria provided, single submitter. Criteria: ACMG Guidelines, 2015. Collection method: clinical testing. Allele origin: germline.
Comment: This missense variant replaces proline with alanine at codon 68 of the SMAD3 protein. Computational prediction is inconclusive regarding the impact of this variant on protein structure and function. To our knowledge, functional studies have not been reported for this variant. This variant has not been reported in individuals affected with SMAD3-related disorders in the literature. This variant has not been identified in the general population by the Genome Aggregation Database (gnomAD). The available evidence is insufficient to determine the role of this variant in disease conclusively. Therefore, this variant is classified as a Variant of Uncertain Significance.